The following is an entry in ClinVar:

ClinVar aggregate classification (germline): Uncertain significance (1 of 4 stars; one submission).

Conditions:
Inborn genetic diseases. Identifiers: MedGen C0950123, MeSH D030342.

Submission:

Ambry Genetics
Classification: Uncertain significance for Inborn genetic diseases. Last evaluated: 2025-10-08. Review status: criteria provided, single submitter. Criteria: Ambry Variant Classification Scheme 2023. Collection method: clinical testing. Allele origin: germline.
Comment: The p.H1309D variant (also known as c.3925C>G), located in coding exon 14 of the FANCM gene, results from a C to G substitution at nucleotide position 3925. The histidine at codon 1309 is replaced by aspartic acid, an amino acid with similar properties. This amino acid position is conserved. In addition, this alteration is predicted to be tolerated by in silico analysis. Based on the available evidence, the clinical significance of this variant remains unclear.

NM_020937.4(FANCM):c.3925C>G (p.His1309Asp)

Gene: FANCM (FA complementation group M; plus strand). Cytogenetic location: 14q21.2.
Variant type: single nucleotide variant.
Coding change: c.3925C>G on transcript NM_020937.4 (MANE Select); coding-DNA position 3925, C replaced by G.
Protein change: p.His1309Asp; replaces histidine 1309 with aspartic acid.
Molecular consequence: missense variant.
Genome position (GRCh38, 1-based): chr14:45,176,679, C>G. VCF-style: chr14-45176679-C-G. GRCh37 (hg19) VCF-style: chr14-45645882-C-G.
Other names: c.3847C>G, p.His1283Asp (NM_001308133.2); short protein forms H1283D, H1309D.
Identifiers: ClinVar variation 4619476 (VCV004619476.1).